The following is an entry in ClinVar:

ClinVar aggregate classification (germline): Uncertain significance. Review status: criteria provided, multiple submitters, no conflicts (2 of 4 stars). 2 submissions from 2 submitters: Uncertain significance (2). Last evaluated 2024-10-16.

Conditions:
Familial cancer of breast. Also called: hereditary breast carcinoma; BREAST CANCER, FAMILIAL; Hereditary breast cancer. Identifiers: Orphanet 227535, MedGen C0346153, MONDO:0016419, OMIM 114480. Disease mechanism: loss of function.
Fanconi anemia complementation group J. Also called: BRIP1-Related Fanconi Anemia. Identifiers: Orphanet 84, MedGen C1836860, MONDO:0012187, OMIM 609054.
Hereditary cancer-predisposing syndrome. Also called: Tumor predisposition; Neoplastic Syndromes, Hereditary; Hereditary Cancer Syndrome; Hereditary neoplastic syndrome. Identifiers: Orphanet 140162, MedGen C0027672, MeSH D009386, MONDO:0015356.

Submissions (2):

Ambry Genetics
Classification: Uncertain significance for Hereditary cancer-predisposing syndrome. Last evaluated: 2024-10-16. Review status: criteria provided, single submitter. Criteria: Ambry Variant Classification Scheme 2023. Collection method: clinical testing. Allele origin: germline.
Comment: The c.1161_1163delACA variant (also known as p.Q388del) is located in coding exon 8 of the BRIP1 gene. This variant results from an in-frame ACA deletion at nucleotide positions 1161 to 1163. This results in the in-frame deletion of a glutamine at codon 388. This amino acid position is highly conserved in available vertebrate species. In addition, this alteration is predicted to be deleterious by in silico analysis (Choi Y et al. PLoS ONE. 2012; 7(10):e46688). Based on the available evidence, the clinical significance of this variant remains unclear.

Labcorp Genetics (formerly Invitae), Labcorp
Classification: Uncertain significance for Familial cancer of breast; Fanconi anemia complementation group J. Last evaluated: 2024-03-02. Review status: criteria provided, single submitter. Criteria: Invitae Variant Classification Sherloc (09022015). Collection method: clinical testing. Allele origin: germline.
Comment: This variant, c.1161_1163del, results in the deletion of 1 amino acid(s) of the BRIP1 protein (p.Gln388del), but otherwise preserves the integrity of the reading frame. This variant is not present in population databases (gnomAD no frequency). This variant has not been reported in the literature in individuals affected with BRIP1-related conditions. ClinVar contains an entry for this variant (Variation ID: 1063795). Experimental studies and prediction algorithms are not available or were not evaluated, and the functional significance of this variant is currently unknown. Algorithms developed to predict the effect of sequence changes on RNA splicing suggest that this variant may create or strengthen a splice site. In summary, the available evidence is currently insufficient to determine the role of this variant in disease. Therefore, it has been classified as a Variant of Uncertain Significance.

NM_032043.3(BRIP1):c.1161_1163del (p.Gln388del)

Gene: BRIP1 (BRCA1 interacting DNA helicase 1; minus strand). Cytogenetic location: 17q23.2.
Variant type: Deletion.
Coding change: c.1161_1163del on transcript NM_032043.3 (MANE Select); coding-DNA positions 1161 to 1163, 3 bases deleted (ACA; older notation c.1161_1163delACA).
Protein change: p.Gln388del; deletes glutamine 388.
Molecular consequence: inframe deletion.
Genome position (GRCh38, 1-based): chr17:61,799,277-61,799,279, TGT deleted on the plus strand (ACA on the coding strand, the reverse complement: BRIP1 is on the minus strand); deleting any 3 consecutive bases within chr17:61,799,277-61,799,280 gives the same sequence; the c. name uses the placement nearest the transcript's 3' end. VCF-style (leftmost placement, unchanged base first): chr17-61799276-CTGT-C. GRCh37 (hg19) VCF-style: chr17-59876637-CTGT-C.
Other names: c.1161_1163delACA (NM_032043.2); short protein forms Q388del.
Identifiers: ClinVar variation 1063795 (VCV001063795.11), dbSNP rs2145309517, ClinGen allele CA2499224800.